The following is an entry in ClinVar:

ClinVar aggregate classification (germline): Pathogenic/Likely pathogenic. Review status: criteria provided, multiple submitters, no conflicts (2 of 4 stars). 2 submissions from 2 submitters: Pathogenic (1); Likely pathogenic (1). Last evaluated 2024-12-22.

Conditions:
Hypertrophic cardiomyopathy. Also called: HYPERTROPHIC MYOCARDIOPATHY. Identifiers: Orphanet 217569, MedGen C0007194, MeSH D002312, MONDO:0005045, HP:0001639.

Submissions (2):

Labcorp Genetics (formerly Invitae), Labcorp
Classification: Pathogenic for Hypertrophic cardiomyopathy. Last evaluated: 2024-12-22. Review status: criteria provided, single submitter. Criteria: Invitae Variant Classification Sherloc (09022015). Collection method: clinical testing. Allele origin: germline.
Comment: This sequence change creates a premature translational stop signal (p.Tyr548*) in the MYBPC3 gene. It is expected to result in an absent or disrupted protein product. Loss-of-function variants in MYBPC3 are known to be pathogenic (PMID: 19574547). This variant is not present in population databases (gnomAD no frequency). This variant has not been reported in the literature in individuals affected with MYBPC3-related conditions. ClinVar contains an entry for this variant (Variation ID: 620569). For these reasons, this variant has been classified as Pathogenic.

GeneDx
Classification: Likely pathogenic. Last evaluated: 2019-01-28. Review status: criteria provided, single submitter. Criteria: GeneDx Variant Classification (06012015). Collection method: clinical testing. Allele origin: germline. Affected: yes.
Comment: The Y548X likely pathogenic variant in the MYBPC3 gene has not been reported as a pathogenic or benign to our knowledge. This is predicted to cause loss of normal protein function either by protein truncation or nonsense-mediated mRNA decay. Other nonsense variants in the MYBPC3 gene have been reported in Human Gene Mutation Database in association with cardiomyopathy (Stenson et al., 2014). Furthermore, the Y548X variant is not observed in large population cohorts (Lek et al., 2016). In summary, Y548X in the MYBPC3 gene is interpreted as a likely pathogenic variant.

Literature cited by the submitters: PubMed 19574547 (cited by Labcorp Genetics (formerly Invitae), Labcorp).

NM_000256.3(MYBPC3):c.1644C>G (p.Tyr548Ter)

Gene: MYBPC3 (myosin binding protein C3; minus strand). Cytogenetic location: 11p11.2.
Variant type: single nucleotide variant.
Coding change: c.1644C>G on transcript NM_000256.3 (MANE Select); coding-DNA position 1644, C replaced by G.
Protein change: p.Tyr548Ter; replaces tyrosine 548 with a stop codon.
Molecular consequence: nonsense.
Genome position (GRCh38, 1-based): chr11:47,342,137, G>C on the plus strand (C>G on the coding strand, the complement: MYBPC3 is on the minus strand). VCF-style: chr11-47342137-G-C. GRCh37 (hg19) VCF-style: chr11-47363688-G-C.
Other names: c.1644C>G, p.Tyr548Ter (LRG_386t1); short protein forms Y548*.
Identifiers: ClinVar variation 620569 (VCV000620569.7), dbSNP rs1565627615, ClinGen allele CA380324463.
Genomic context (GRCh38, chr11:47,342,137, plus strand): 5'-GACCTCACATTTGAACACCGCCTGGTCCTTTGCGCCCACCATCAGGTCTGCGATGCTCTG[G>C]TACACCTCCAGCTTCTTTTCTGCAGGGCAGGGCAGAGCCATTGAGCTCGGGAGGGTGTGT-3'